The following is an entry in ClinVar:

NM_001005273.3(CHD3):c.1815C>T (p.Asp605=)

Gene: CHD3 (chromodomain helicase DNA binding protein 3; plus strand). Cytogenetic location: 17p13.1.
Variant type: single nucleotide variant.
Coding change: c.1815C>T on transcript NM_001005273.3 (MANE Select); coding-DNA position 1815, C replaced by T.
Protein change: p.Asp605=; no amino-acid change (aspartic acid 605 retained).
Molecular consequence: synonymous variant.
Genome position (GRCh38, 1-based): chr17:7,897,190, C>T. VCF-style: chr17-7897190-C-T. GRCh37 (hg19) VCF-style: chr17-7800508-C-T.
Other names: c.1992C>T, p.Asp664= (NM_001005271.3); c.1815C>T, p.Asp605= (NM_005852.4).
Identifiers: ClinVar variation 781253 (VCV000781253.29), dbSNP rs140662047, ClinGen allele CA8362750.

ClinVar aggregate classification (germline): Benign/Likely benign. Review status: criteria provided, multiple submitters, no conflicts (2 of 4 stars). 4 submissions from 4 submitters: Benign (1); Likely benign (2). 1 of the submissions does not count toward it. Last evaluated 2025-08-01.

Conditions:
CHD3-related disorder. Also called: CHD3-related condition.

Allele frequency attached by ClinVar (database versions not stated): gnomAD exomes 0.00066; ExAC 0.00072; ESP Exome Variant Server 0.00200; 1000 Genomes Project 0.00220; gnomAD 0.00228 and 0.00244; TOPMed 0.00258; 1000 Genomes Project 30x 0.00265.
gnomAD v4.1: 749 of 1,614,164 alleles (0.046%); highest among the groups gnomAD compares: African/African-American, 0.88%; 3 homozygotes.

Submissions (4):

CeGaT Center for Human Genetics Tuebingen
Classification: Likely benign. Last evaluated: 2025-08-01. Review status: criteria provided, single submitter. Criteria: CeGaT Center For Human Genetics Tuebingen Variant Classification Criteria Version 2. Collection method: clinical testing. Allele origin: germline. Affected: yes. Observed: 2 variant alleles.
Comment: CHD3: BP4, BP7

Blueprint Genetics
Classification: Likely benign. Last evaluated: 2024-10-16. Review status: criteria provided, single submitter. Criteria: ACMG Guidelines, 2015. Collection method: clinical testing. Allele origin: germline.

Labcorp Genetics (formerly Invitae), Labcorp
Classification: Benign. Last evaluated: 2018-09-11. Review status: criteria provided, single submitter. Criteria: Invitae Variant Classification Sherloc (09022015). Collection method: clinical testing. Allele origin: germline.

PreventionGenetics, part of Exact Sciences
Classification: Benign for CHD3-related condition. Last evaluated: 2024-02-21. Review status: no assertion criteria provided. Collection method: clinical testing. Allele origin: germline. Not counted in ClinVar's aggregate classification.
Comment: This variant is classified as benign based on ACMG/AMP sequence variant interpretation guidelines (Richards et al. 2015 PMID: 25741868, with internal and published modifications).